The following is an entry in ClinVar:

ClinVar aggregate classification (germline): Conflicting classifications of pathogenicity. Review status: criteria provided, conflicting classifications (1 of 4 stars). 2 submissions from 2 submitters: Likely pathogenic (1); Uncertain significance (1). Last evaluated 2024-10-10.

Conditions:
Polycystic kidney disease, adult type (PKD1). Also called: Polycystic Kidney Disease 1, Autosomal Dominant; Polycystic kidney disease 1; Polycystic kidney disease 1, severe; Polycystic Kidney, Autosomal Dominant; POLYCYSTIC KIDNEY DISEASE, ADULT, TYPE I; POLYCYSTIC KIDNEY DISEASE 1 WITH OR WITHOUT POLYCYSTIC LIVER DISEASE. Identifiers: MedGen C3149841, MONDO:0008263, OMIM 173900.

Submissions (2):

Victorian Clinical Genetics Services, Murdoch Childrens Research Institute
Classification: Uncertain significance for Polycystic kidney disease, adult type. Last evaluated: 2024-10-10. Review status: criteria provided, single submitter. Criteria: ACMG Guidelines, 2015. Collection method: clinical testing. Allele origin: germline. Inheritance: Autosomal dominant inheritance. Affected: yes.
Comment: Based on the classification scheme VCGS_Germline_v1.3.5, this variant is classified as VUS-3A. Following criteria are met: 0102 - Loss of function is a known mechanism of disease in this gene and is associated with polycystic kidney disease 1 (MIM#173900). (I) 0107 - This gene is associated with autosomal dominant disease. Polycystic kidney disease 1 (MIM#173900) is predominantly caused by monoallelic variants, with rare reports of biallelic variants causing disease (OMIM). (I) 0213 - In-frame deletion in a non-repetitive region that has high conservation. (SP) 0251 - This variant is heterozygous. (I) 0301 - Variant is absent from gnomAD (v2, v3 and v4). (SP) 0600 - Variant is predicted to affect part of the PLAT domain (DECIPHER). (I) 0705 - No comparable in-frame deletion variants have previous evidence for pathogenicity. However, multiple missense variants located at the affected residues have been classified as variants of uncertain significance or likely benign by clinical laboratories (ClinVar). (I) 0803 - This variant has limited previous evidence of pathogenicity in unrelated individuals. It has been observed in a cohort of sporadic polycystic kidney disease patients (PMID: 22367170) and has been classified as likely pathogenic by one clinical laboratory (ClinVar). (SP) 1007 - No published functional evidence has been identified for this variant. (I) 1208 - Inheritance information for this variant is not currently available in this individual. (I) Legend: (SP) - Supporting pathogenic, (I) - Information, (SB) - Supporting benign

GeneDx
Classification: Likely pathogenic. Last evaluated: 2022-11-23. Review status: criteria provided, single submitter. Criteria: GeneDx Variant Classification Process June 2021. Collection method: clinical testing. Allele origin: germline. Affected: yes.
Comment: In-frame deletion of 9 amino acids in a non-repeat region; Not observed at significant frequency in large population cohorts (gnomAD); In silico analysis supports a deleterious effect on protein structure/function; This variant is associated with the following publications: (PMID: 22367170)

Literature cited by the submitters: PubMed 22367170 (cited by Victorian Clinical Genetics Services, Murdoch Childrens Research Institute).

NM_001009944.3(PKD1):c.9668_9694del (p.Thr3223_Glu3231del)

Gene: PKD1 (polycystin 1, transient receptor potential channel interacting; minus strand). Cytogenetic location: 16p13.3.
Variant type: Deletion.
Coding change: c.9668_9694del on transcript NM_001009944.3 (MANE Select); coding-DNA positions 9668 to 9694, 27 bases deleted (CGGAGGCCAACGGGGGCCTGGTGGAGA).
Protein change: p.Thr3223_Glu3231del.
Molecular consequence: inframe deletion. On other transcripts: inframe indel (1).
Genome position (GRCh38, 1-based): chr16:2,100,184-2,100,210, TCTCCACCAGGCCCCCGTTGGCCTCCG deleted on the plus strand (CGGAGGCCAACGGGGGCCTGGTGGAGA on the coding strand, the reverse complement: PKD1 is on the minus strand); deleting any 27 consecutive bases within chr16:2,100,184-2,100,218 gives the same sequence; the c. name uses the placement nearest the transcript's 3' end. VCF-style (leftmost placement, unchanged base first): chr16-2100183-TTCTCCACCAGGCCCCCGTTGGCCTCCG-T. GRCh37 (hg19) VCF-style: chr16-2150184-TTCTCCACCAGGCCCCCGTTGGCCTCCG-T.
Other names: c.9668_9694del, p.Thr3223_Glu3231del (NM_000296.4); c.9660_9686del27, p.Thr3223_Glu3231del (NM_001009944.2).
Identifiers: ClinVar variation 2502504 (VCV002502504.2), dbSNP rs2544715242, ClinGen allele CA2580612704.